The following is an entry in ClinVar:

NM_001244008.2(KIF1A):c.363+9C>G

Gene: KIF1A (kinesin family member 1A; minus strand). Cytogenetic location: 2q37.3.
Variant type: single nucleotide variant.
Coding change: c.363+9C>G on transcript NM_001244008.2 (MANE Select); 9 bases into the intron after coding-DNA position 363, C replaced by G.
Molecular consequence: intron variant.
Genome position (GRCh38, 1-based): chr2:240,788,042, G>C on the plus strand (C>G on the coding strand, the complement: KIF1A is on the minus strand). VCF-style: chr2-240788042-G-C. GRCh37 (hg19) VCF-style: chr2-241727459-G-C.
Other names: p.?; c.363+9C>G (NM_004321.7, NM_001379653.1, NM_001379650.1 and 21 more transcripts).
Identifiers: ClinVar variation 701810 (VCV000701810.13), dbSNP rs368803931, ClinGen allele CA2208832.

ClinVar aggregate classification (germline): Benign/Likely benign. Review status: criteria provided, multiple submitters, no conflicts (2 of 4 stars). 5 submissions from 5 submitters: Benign (1); Likely benign (4). Last evaluated 2026-02-02.

Conditions:
Neuropathy, hereditary sensory, type 2C. Also called: KIF1A-Related HSAN2 (HSAN2C); Hereditary sensory and autonomic neuropathy type IIC. Identifiers: Orphanet 970, MedGen C3280168, MONDO:0013634, OMIM 614213.
Hereditary spastic paraplegia 30. Identifiers: Orphanet 101010, MedGen C5235139, MONDO:0012476.
Intellectual disability, autosomal dominant 9 (NESCAVS). Also called: NESCAV SYNDROME; KIF1A-Related Neurodevelopmental Disorder. Identifiers: Orphanet 662367, MedGen C5393830, MONDO:0013656, OMIM 614255.

Submissions (5):

Labcorp Genetics (formerly Invitae), Labcorp
Classification: Likely benign for Hereditary spastic paraplegia 30; Neuropathy, hereditary sensory, type 2C; Intellectual disability, autosomal dominant 9. Last evaluated: 2026-02-02. Review status: criteria provided, single submitter. Criteria: Invitae Variant Classification Sherloc (09022015). Collection method: clinical testing. Allele origin: germline.

Blueprint Genetics
Classification: Likely benign. Last evaluated: 2024-11-25. Review status: criteria provided, single submitter. Criteria: ACMG Guidelines, 2015. Collection method: clinical testing. Allele origin: germline.

Mayo Clinic Laboratories, Mayo Clinic
Classification: Likely benign. Last evaluated: 2024-06-24. Review status: criteria provided, single submitter. Criteria: ACMG Guidelines, 2015. Collection method: clinical testing. Allele origin: germline. Observed: 6 variant alleles.
Comment: BP4, BP7

GeneDx
Classification: Benign. Last evaluated: 2018-07-07. Review status: criteria provided, single submitter. Criteria: GeneDx Variant Classification Process June 2021. Collection method: clinical testing. Allele origin: germline. Affected: yes.

Breakthrough Genomics
Classification: Likely benign. Review status: criteria provided, single submitter. Criteria: ACMG Guidelines, 2015. Collection method: not provided. Allele origin: germline. Inheritance: Autosomal recessive inheritance. Affected: yes.